The following is an entry in ClinVar:

ClinVar aggregate classification (germline): Pathogenic. Review status: criteria provided, single submitter (1 of 4 stars). 2 submissions from 2 submitters: Pathogenic (1). 1 of the submissions does not count toward it. Last evaluated 2022-05-08.

Conditions:
Hereditary cancer-predisposing syndrome. Also called: Hereditary neoplastic syndrome; Tumor predisposition; Neoplastic Syndromes, Hereditary; Hereditary Cancer Syndrome. Identifiers: Orphanet 140162, MedGen C0027672, MeSH D009386, MONDO:0015356.
Hereditary breast ovarian cancer syndrome. Also called: Hereditary breast and ovarian cancer syndrome; Breast and ovarian cancer; Hereditary breast and ovarian cancer; Hereditary breast and/or ovarian cancer syndrome; Hereditary breast and ovarian cancer syndrome (HBOC); BRCA1- and BRCA2-Associated Hereditary Breast and Ovarian Cancer. Identifiers: Orphanet 145, MedGen C0677776, MeSH D061325, MONDO:0003582. Disease mechanism: loss of function.

Submissions (2):

Labcorp Genetics (formerly Invitae), Labcorp
Classification: Pathogenic for Hereditary breast ovarian cancer syndrome. Last evaluated: 2022-05-08. Review status: criteria provided, single submitter. Criteria: Invitae Variant Classification Sherloc (09022015). Collection method: clinical testing. Allele origin: germline.
Comment: For these reasons, this variant has been classified as Pathogenic. This variant has not been reported in the literature in individuals affected with BRCA2-related conditions. This variant is not present in population databases (gnomAD no frequency). This sequence change creates a premature translational stop signal (p.Leu1635*) in the BRCA2 gene. It is expected to result in an absent or disrupted protein product. Loss-of-function variants in BRCA2 are known to be pathogenic (PMID: 20104584).

Genomic Center, National Cancer Institute
Classification: Likely pathogenic for Hereditary cancer-predisposing syndrome. Review status: no assertion criteria provided. Collection method: case-control. Allele origin: germline. Affected: yes. Not counted in ClinVar's aggregate classification.

Literature cited by the submitters: PubMed 20104584 (cited by Labcorp Genetics (formerly Invitae), Labcorp).

NM_000059.4(BRCA2):c.4904del (p.Phe1634_Leu1635insTer)

Gene: BRCA2 (BRCA2 DNA repair associated; plus strand). Cytogenetic location: 13q13.1.
Variant type: Deletion.
Coding change: c.4904del on transcript NM_000059.4 (MANE Select); coding-DNA position 4904, one base deleted (T; older notation c.4904delT).
Protein change: p.Phe1634_Leu1635insTer.
Molecular consequence: nonsense.
Genome position (GRCh38, 1-based): chr13:32,339,259, T deleted; the last of 5 consecutive T bases (chr13:32,339,255-32,339,259); deleting any one gives the same sequence. VCF-style (leftmost placement, unchanged base first): chr13-32339254-CT-C. GRCh37 (hg19) VCF-style: chr13-32913391-CT-C.
Other names: c.4904delT (NM_000059.4).
Identifiers: ClinVar variation 1696803 (VCV001696803.7), dbSNP rs80359471, ClinGen allele CA2580087317.